The following is an entry in ClinVar:

NM_001172509.2(SATB2):c.1808C>T (p.Pro603Leu)

Genes: SATB2 (SATB homeobox 2; minus strand), LOC126806462 (MED14-independent group 3 enhancer GRCh37_chr2:200136608-200137807; plus strand). Cytogenetic location: 2q33.1.
Variant type: single nucleotide variant.
Coding change: c.1808C>T on transcript NM_001172509.2 (MANE Select); coding-DNA position 1808, C replaced by T.
Protein change: p.Pro603Leu; replaces proline 603 with leucine.
Molecular consequence: missense variant.
Genome position (GRCh38, 1-based): chr2:199,272,605, G>A on the plus strand (C>T on the coding strand, the complement: SATB2 is on the minus strand). VCF-style: chr2-199272605-G-A. GRCh37 (hg19) VCF-style: chr2-200137328-G-A.
Other names: c.1808C>T, p.Pro603Leu (NM_001172517.1, NM_015265.4); short protein forms P603L.
Identifiers: ClinVar variation 2823343 (VCV002823343.3), dbSNP rs2468783680, ClinGen allele CA350385958.

ClinVar aggregate classification (germline): Uncertain significance (1 of 4 stars; one submission).

Conditions:
Chromosome 2q32-q33 deletion syndrome (GLASS). Also called: Glass syndrome; 2q33.1 deletion syndrome. Identifiers: Orphanet 251019, MedGen C2676739, MONDO:0012864, OMIM 612313.

gnomAD v4.1: 1 of 1,614,120 alleles (0.000062%); no homozygotes.

Submission:

Labcorp Genetics (formerly Invitae), Labcorp
Classification: Uncertain significance for Chromosome 2q32-q33 deletion syndrome. Last evaluated: 2025-02-24. Review status: criteria provided, single submitter. Criteria: Invitae Variant Classification Sherloc (09022015). Collection method: clinical testing. Allele origin: germline.
Comment: This sequence change replaces proline, which is neutral and non-polar, with leucine, which is neutral and non-polar, at codon 603 of the SATB2 protein (p.Pro603Leu). This variant is not present in population databases (gnomAD no frequency). This missense change has been observed in individual(s) with developmental disorder (PMID: 33057194). This variant is also known as 2:200137328 G>A. ClinVar contains an entry for this variant (Variation ID: 2823343). Invitae Evidence Modeling of protein sequence and biophysical properties (such as structural, functional, and spatial information, amino acid conservation, physicochemical variation, residue mobility, and thermodynamic stability) indicates that this missense variant is not expected to disrupt SATB2 protein function with a negative predictive value of 80%. In summary, the available evidence is currently insufficient to determine the role of this variant in disease. Therefore, it has been classified as a Variant of Uncertain Significance.

Literature cited by the submitters: PubMed 33057194.